The following is an entry in ClinVar:

ClinVar aggregate classification (germline): Uncertain significance (1 of 4 stars; one submission).

gnomAD v4.1: 3 of 1,612,196 alleles (0.00019%); highest among the groups gnomAD compares: Non-Finnish European, 0.00025%; no homozygotes.

Submission:

Labcorp Genetics (formerly Invitae), Labcorp
Classification: Uncertain significance. Last evaluated: 2025-06-27. Review status: criteria provided, single submitter. Criteria: Invitae Variant Classification Sherloc (09022015). Collection method: clinical testing. Allele origin: germline.
Comment: This sequence change replaces asparagine, which is neutral and polar, with aspartic acid, which is acidic and polar, at codon 414 of the TNNI3K protein (p.Asn414Asp). This variant is not present in population databases (gnomAD no frequency). This variant has not been reported in the literature in individuals affected with TNNI3K-related conditions. ClinVar contains an entry for this variant (Variation ID: 3667921). Invitae Evidence Modeling of protein sequence and biophysical properties (such as structural, functional, and spatial information, amino acid conservation, physicochemical variation, residue mobility, and thermodynamic stability) indicates that this missense variant is not expected to disrupt TNNI3K protein function with a negative predictive value of 80%. In summary, the available evidence is currently insufficient to determine the role of this variant in disease. Therefore, it has been classified as a Variant of Uncertain Significance.

NM_015978.3(TNNI3K):c.1240A>G (p.Asn414Asp)

Genes: FPGT-TNNI3K (FPGT-TNNI3K readthrough; plus strand), TNNI3K (TNNI3 interacting kinase; plus strand). Cytogenetic location: 1p31.1.
Variant type: single nucleotide variant.
Coding change: c.1240A>G on transcript NM_015978.3 (MANE Select); coding-DNA position 1240, A replaced by G.
Protein change: p.Asn414Asp; replaces asparagine 414 with aspartic acid.
Molecular consequence: missense variant.
Genome position (GRCh38, 1-based): chr1:74,367,318, A>G. VCF-style: chr1-74367318-A-G. GRCh37 (hg19) VCF-style: chr1-74833002-A-G.
Other names: c.1543A>G, p.Asn515Asp (NM_001112808.3, NM_001199327.2); short protein forms N414D, N515D.
Identifiers: ClinVar variation 3667921 (VCV003667921.2).